The following is an entry in ClinVar:

NM_001128228.3(TPRN):c.1256C>T (p.Pro419Leu)

Gene: TPRN (taperin; minus strand). Cytogenetic location: 9q34.3.
Variant type: single nucleotide variant.
Coding change: c.1256C>T on transcript NM_001128228.3 (MANE Select); coding-DNA position 1256, C replaced by T.
Protein change: p.Pro419Leu; replaces proline 419 with leucine.
Molecular consequence: missense variant.
Genome position (GRCh38, 1-based): chr9:137,199,456, G>A on the plus strand (C>T on the coding strand, the complement: TPRN is on the minus strand). VCF-style: chr9-137199456-G-A. GRCh37 (hg19) VCF-style: chr9-140093908-G-A.
Other names: short protein forms P419L.
Identifiers: ClinVar variation 672139 (VCV000672139.33), dbSNP rs149753507, ClinGen allele CA5362788.
Genomic context (GRCh38, chr9:137,199,456, plus strand): 5'-GGAACCCTGAGGCCCTCAGCAGGCTCAGCTTCTTCCGAAGCAGCCGGCAGGAAGGGGGGC[G>A]GTGAGGACGGCCTCTGCCACCTAATAGCCCGGTCAGCGAGGGCGGTGGCTGTCCTGGGAC-3'
Protein context (NP_001121700.2, residues 409-429): RAIRWQRPSS[Pro419Leu]PPFLPAASEE

ClinVar aggregate classification (germline): Benign/Likely benign. Review status: criteria provided, multiple submitters, no conflicts (2 of 4 stars). 4 submissions from 4 submitters: Benign (2); Likely benign (2). Last evaluated 2026-06-01.

Allele frequency attached by ClinVar (database versions not stated): TOPMed 0.00121; ESP Exome Variant Server 0.00147; gnomAD 0.00148 and 0.00167; 1000 Genomes Project 30x 0.00219; 1000 Genomes Project 0.00240; gnomAD exomes 0.00246 and 0.00263; ExAC 0.00489.
gnomAD v4.1: 3,760 of 1,604,472 alleles (0.23%); highest among the groups gnomAD compares: South Asian, 0.96%; 15 homozygotes.

Submissions (4):

CeGaT Center for Human Genetics Tuebingen
Classification: Likely benign. Last evaluated: 2026-06-01. Review status: criteria provided, single submitter. Criteria: CeGaT Center For Human Genetics Tuebingen Variant Classification Criteria Version 2. Collection method: clinical testing. Allele origin: germline. Affected: yes. Observed: 5 variant alleles.
Comment: TPRN: BP4, BS2

Labcorp Genetics (formerly Invitae), Labcorp
Classification: Benign. Last evaluated: 2025-12-24. Review status: criteria provided, single submitter. Criteria: Invitae Variant Classification Sherloc (09022015). Collection method: clinical testing. Allele origin: germline.

Blueprint Genetics
Classification: Likely benign. Last evaluated: 2024-11-19. Review status: criteria provided, single submitter. Criteria: ACMG Guidelines, 2015. Collection method: clinical testing. Allele origin: germline.

GeneDx
Classification: Benign. Last evaluated: 2018-06-04. Review status: criteria provided, single submitter. Criteria: GeneDx Variant Classification (06012015). Collection method: clinical testing. Allele origin: germline. Affected: yes.
Comment: This variant is considered likely benign or benign based on one or more of the following criteria: it is a conservative change, it occurs at a poorly conserved position in the protein, it is predicted to be benign by multiple in silico algorithms, and/or has population frequency not consistent with disease.